The following is an entry in ClinVar:

ClinVar aggregate classification (germline): Uncertain significance (1 of 4 stars; one submission).

Conditions:
Muscular dystrophy-dystroglycanopathy (congenital with brain and eye anomalies), type a, 11 (MDDGA11). Also called: Muscular dystrophy-dystroglycanopathy (congenital with brain and eye anomalies, type A, 11; Congenital muscular dystrophy-dystroglycanopathy with brain and eye anomalies, type A11; WALKER-WARBURG SYNDROME OR MUSCLE-EYE-BRAIN DISEASE, B3GALNT2-RELATED. Identifiers: Orphanet 588, Orphanet 899, MedGen C3554638, MONDO:0014071, OMIM 615181.

Allele frequency attached by ClinVar (database versions not stated): gnomAD exomes below 0.00001.
gnomAD v4.1: 2 of 1,611,956 alleles (0.00012%); highest among the groups gnomAD compares: Non-Finnish European, 0.00017%; no homozygotes.

Submission:

Labcorp Genetics (formerly Invitae), Labcorp
Classification: Uncertain significance for Muscular dystrophy-dystroglycanopathy (congenital with brain and eye anomalies), type a, 11. Last evaluated: 2024-02-17. Review status: criteria provided, single submitter. Criteria: Invitae Variant Classification Sherloc (09022015). Collection method: clinical testing. Allele origin: germline.
Comment: This sequence change replaces aspartic acid, which is acidic and polar, with asparagine, which is neutral and polar, at codon 440 of the B3GALNT2 protein (p.Asp440Asn). This variant is not present in population databases (gnomAD no frequency). This variant has not been reported in the literature in individuals affected with B3GALNT2-related conditions. ClinVar contains an entry for this variant (Variation ID: 843179). Advanced modeling of protein sequence and biophysical properties (such as structural, functional, and spatial information, amino acid conservation, physicochemical variation, residue mobility, and thermodynamic stability) has been performed at Invitae for this missense variant, however the output from this modeling did not meet the statistical confidence thresholds required to predict the impact of this variant on B3GALNT2 protein function. Algorithms developed to predict the effect of sequence changes on RNA splicing suggest that this variant may disrupt the consensus splice site. In summary, the available evidence is currently insufficient to determine the role of this variant in disease. Therefore, it has been classified as a Variant of Uncertain Significance.

NM_152490.5(B3GALNT2):c.1318G>A (p.Asp440Asn)

Gene: B3GALNT2 (beta-1,3-N-acetylgalactosaminyltransferase 2; minus strand). Cytogenetic location: 1q42.3.
Variant type: single nucleotide variant.
Coding change: c.1318G>A on transcript NM_152490.5 (MANE Select); coding-DNA position 1318, G replaced by A.
Protein change: p.Asp440Asn; replaces aspartic acid 440 with asparagine.
Molecular consequence: missense variant.
Genome position (GRCh38, 1-based): chr1:235,453,140, C>T on the plus strand (G>A on the coding strand, the complement: B3GALNT2 is on the minus strand). VCF-style: chr1-235453140-C-T. GRCh37 (hg19) VCF-style: chr1-235616452-C-T.
Other names: short protein forms D440N.
Identifiers: ClinVar variation 843179 (VCV000843179.6), dbSNP rs1683005563, ClinGen allele CA344956379.